The following is an entry in ClinVar:

NM_025137.4(SPG11):c.5725G>A (p.Ala1909Thr)

Gene: SPG11 (SPG11 vesicle trafficking associated, spatacsin; minus strand). Cytogenetic location: 15q21.1.
Variant type: single nucleotide variant.
Coding change: c.5725G>A on transcript NM_025137.4 (MANE Select); coding-DNA position 5725, G replaced by A.
Protein change: p.Ala1909Thr; replaces alanine 1909 with threonine.
Molecular consequence: missense variant.
Genome position (GRCh38, 1-based): chr15:44,583,955, C>T on the plus strand (G>A on the coding strand, the complement: SPG11 is on the minus strand). VCF-style: chr15-44583955-C-T. GRCh37 (hg19) VCF-style: chr15-44876153-C-T.
Other names: c.5725G>A, p.Ala1909Thr (NM_001160227.2); short protein forms A1909T.
Identifiers: ClinVar variation 644235 (VCV000644235.20), dbSNP rs140710297, ClinGen allele CA7534361.

ClinVar aggregate classification (germline): Uncertain significance. Review status: criteria provided, multiple submitters, no conflicts (2 of 4 stars). 2 submissions from 2 submitters: Uncertain significance (2). Last evaluated 2024-11-01.

Conditions:
Hereditary spastic paraplegia 11. Also called: SPASTIC PARAPLEGIA, AUTOSOMAL RECESSIVE, COMPLICATED, WITH THIN CORPUS CALLOSUM; SPASTIC PARAPLEGIA, AUTOSOMAL RECESSIVE, WITH MENTAL IMPAIRMENT AND THIN CORPUS CALLOSUM; Spastic Paraplegia 11; Spastic paraplegia, mental retardation and thin corpus callosum; Nakamura Osame syndrome; Autosomal recessive hereditary spastic paraplegia, mental impairment, and thin corpus callosum. Identifiers: Orphanet 2822, MedGen C1858479, MONDO:0011445, OMIM 604360.

Allele frequency attached by ClinVar (database versions not stated): gnomAD exomes 0.00001; ExAC 0.00002; TOPMed 0.00002; gnomAD 0.00004 and 0.00006; 1000 Genomes Project 0.00020; ESP Exome Variant Server 0.00008; 1000 Genomes Project 30x 0.00016.
gnomAD v4.1: 23 of 1,614,148 alleles (0.0014%); highest among the groups gnomAD compares: South Asian, 0.0044%; no homozygotes.

Submissions (2):

CeGaT Center for Human Genetics Tuebingen
Classification: Uncertain significance. Last evaluated: 2024-11-01. Review status: criteria provided, single submitter. Criteria: CeGaT Center For Human Genetics Tuebingen Variant Classification Criteria Version 2. Collection method: clinical testing. Allele origin: germline. Affected: yes. Observed: 1 variant allele.
Comment: SPG11: PM2, BP4

Labcorp Genetics (formerly Invitae), Labcorp
Classification: Uncertain significance for Hereditary spastic paraplegia 11. Last evaluated: 2021-09-01. Review status: criteria provided, single submitter. Criteria: Invitae Variant Classification Sherloc (09022015). Collection method: clinical testing. Allele origin: germline.
Comment: This sequence change replaces alanine with threonine at codon 1909 of the SPG11 protein (p.Ala1909Thr). The alanine residue is moderately conserved and there is a small physicochemical difference between alanine and threonine. This variant is present in population databases (rs140710297, ExAC 0.01%). This variant has not been reported in the literature in individuals affected with SPG11-related conditions. Algorithms developed to predict the effect of missense changes on protein structure and function output the following: SIFT: "Tolerated"; PolyPhen-2: "Benign"; Align-GVGD: "Class C0". The threonine amino acid residue is found in multiple mammalian species, which suggests that this missense change does not adversely affect protein function. In summary, the available evidence is currently insufficient to determine the role of this variant in disease. Therefore, it has been classified as a Variant of Uncertain Significance.